The following is an entry in ClinVar:

NM_001035.3(RYR2):c.3045C>T (p.Gly1015=)

Gene: RYR2 (ryanodine receptor 2; plus strand). Cytogenetic location: 1q43.
Variant type: single nucleotide variant.
Coding change: c.3045C>T on transcript NM_001035.3 (MANE Select); coding-DNA position 3045, C replaced by T.
Protein change: p.Gly1015=; no amino-acid change (glycine 1015 retained).
Molecular consequence: synonymous variant.
Genome position (GRCh38, 1-based): chr1:237,548,569, C>T. VCF-style: chr1-237548569-C-T. GRCh37 (hg19) VCF-style: chr1-237711869-C-T.
Other names: c.3045C>T, p.Gly1015= (LRG_402t1).
Identifiers: ClinVar variation 630003 (VCV000630003.14), dbSNP rs1405734932, ClinGen allele CA423818122.

ClinVar aggregate classification (germline): Likely benign. Review status: criteria provided, multiple submitters, no conflicts (2 of 4 stars). 4 submissions from 4 submitters: Likely benign (4). Last evaluated 2025-10-01.

Conditions:
Catecholaminergic polymorphic ventricular tachycardia (CVPT). Also called: Catecholamine-induced polymorphic ventricular tachycardia. Identifiers: Orphanet 3286, MedGen C5574922, MONDO:0017990.
Cardiomyopathy (CMYO). Also called: Cardiomyopathies. Identifiers: Orphanet 167848, MedGen C0878544, MONDO:0004994, HP:0001638. Inheritance: Various modes of inheritance.
Catecholaminergic polymorphic ventricular tachycardia 1. Also called: RYR2-Related Catecholaminergic Polymorphic Ventricular Tachycardia; VENTRICULAR TACHYCARDIA, CATECHOLAMINERGIC POLYMORPHIC, 1, WITH OR WITHOUT ATRIAL DYSFUNCTION AND/OR DILATED CARDIOMYOPATHY; VENTRICULAR TACHYCARDIA, STRESS-INDUCED POLYMORPHIC 1. Identifiers: Orphanet 3286, MedGen C1631597, MONDO:0011484, OMIM 604772.

Allele frequency attached by ClinVar (database versions not stated): gnomAD exomes below 0.00001.
gnomAD v4.1: 2 of 1,613,912 alleles (0.00012%); highest among the groups gnomAD compares: Non-Finnish European, 0.00017%; no homozygotes.

Submissions (4):

Labcorp Genetics (formerly Invitae), Labcorp
Classification: Likely benign for Catecholaminergic polymorphic ventricular tachycardia 1. Last evaluated: 2025-10-01. Review status: criteria provided, single submitter. Criteria: Invitae Variant Classification Sherloc (09022015). Collection method: clinical testing. Allele origin: germline.

Blueprint Genetics
Classification: Likely benign. Last evaluated: 2024-07-19. Review status: criteria provided, single submitter. Criteria: ACMG Guidelines, 2015. Collection method: clinical testing. Allele origin: germline.

All of Us Research Program, National Institutes of Health
Classification: Likely benign for Catecholaminergic polymorphic ventricular tachycardia. Last evaluated: 2023-07-10. Review status: criteria provided, single submitter. Criteria: ACMG Guidelines, 2015. Collection method: clinical testing. Allele origin: germline. Inheritance: Autosomal dominant inheritance. Observed: 2 variant alleles, 2 heterozygotes.
Comment: This study involves interpretation of variants in research participants for the purpose of population health screening. Participant phenotype was not available at the time of variant classification. Additional details can be found in publication PMID: 35346344, PMCID: PMC8962531

Color Diagnostics, LLC DBA Color Health
Classification: Likely benign for Cardiomyopathy. Last evaluated: 2018-04-20. Review status: criteria provided, single submitter. Criteria: ACMG Guidelines, 2015. Collection method: clinical testing. Allele origin: germline.